The following is an entry in ClinVar:

NM_004304.5(ALK):c.745A>G (p.Met249Val)

Gene: ALK (ALK receptor tyrosine kinase; minus strand). Cytogenetic location: 2p23.2.
Variant type: single nucleotide variant.
Coding change: c.745A>G on transcript NM_004304.5 (MANE Select); coding-DNA position 745, A replaced by G.
Protein change: p.Met249Val; replaces methionine 249 with valine.
Molecular consequence: missense variant.
Genome position (GRCh38, 1-based): chr2:29,717,620, T>C on the plus strand (A>G on the coding strand, the complement: ALK is on the minus strand). VCF-style: chr2-29717620-T-C. GRCh37 (hg19) VCF-style: chr2-29940486-T-C.
Other names: short protein forms M249V.
Identifiers: ClinVar variation 944971 (VCV000944971.9), dbSNP rs1679300524, ClinGen allele CA346587694.

ClinVar aggregate classification (germline): Uncertain significance (1 of 4 stars; one submission).

Conditions:
Neuroblastoma, susceptibility to, 3. Also called: ALK-Related Neuroblastic Tumor Susceptibility. Identifiers: Orphanet 635, MedGen C2751681, MONDO:0013083, OMIM 613014.

Submission:

Labcorp Genetics (formerly Invitae), Labcorp
Classification: Uncertain significance for Neuroblastoma, susceptibility to, 3. Last evaluated: 2019-04-30. Review status: criteria provided, single submitter. Criteria: Invitae Variant Classification Sherloc (09022015). Collection method: clinical testing. Allele origin: germline.
Comment: In summary, the available evidence is currently insufficient to determine the role of this variant in disease. Therefore, it has been classified as a Variant of Uncertain Significance. Algorithms developed to predict the effect of sequence changes on RNA splicing suggest that this variant may create or strengthen a splice site, but this prediction has not been confirmed by published transcriptional studies. Algorithms developed to predict the effect of missense changes on protein structure and function are either unavailable or do not agree on the potential impact of this missense change (SIFT: "Deleterious"; PolyPhen-2: "Probably Damaging"; Align-GVGD: "Class C0"). This variant has not been reported in the literature in individuals with ALK-related conditions. This variant is not present in population databases (ExAC no frequency). This sequence change replaces methionine with valine at codon 249 of the ALK protein (p.Met249Val). The methionine residue is moderately conserved and there is a small physicochemical difference between methionine and valine.